The following is an entry in ClinVar:

ClinVar aggregate classification (germline): Benign/Likely benign. Review status: criteria provided, multiple submitters, no conflicts (2 of 4 stars). 4 submissions from 4 submitters: Benign (1); Likely benign (2). 1 of the submissions does not count toward it. Last evaluated 2026-09-01.

Conditions:
NSD2-related disorder. Also called: NSD2-related condition; NSD2 related disorders.

Allele frequency attached by ClinVar (database versions not stated): 1000 Genomes Project 30x 0.00265; 1000 Genomes Project 0.00280; TOPMed 0.00407; gnomAD 0.00436 and 0.00440; gnomAD exomes 0.00495 and 0.00656; ExAC 0.00520; ESP Exome Variant Server 0.00538.
gnomAD v4.1: 10,202 of 1,614,212 alleles (0.63%); highest among the groups gnomAD compares: Non-Finnish European, 0.75%; 40 homozygotes.

Submissions (4):

CeGaT Center for Human Genetics Tuebingen
Classification: Likely benign. Last evaluated: 2026-09-01. Review status: criteria provided, single submitter. Criteria: CeGaT Center For Human Genetics Tuebingen Variant Classification Criteria Version 2. Collection method: clinical testing. Allele origin: germline. Affected: yes. Observed: 19 variant alleles.
Comment: NSD2: BP4, BP7, BS2

Labcorp Genetics (formerly Invitae), Labcorp
Classification: Benign. Last evaluated: 2026-01-26. Review status: criteria provided, single submitter. Criteria: Invitae Variant Classification Sherloc (09022015). Collection method: clinical testing. Allele origin: germline.

Breakthrough Genomics
Classification: Likely benign. Review status: criteria provided, single submitter. Criteria: ACMG Guidelines, 2015. Collection method: not provided. Allele origin: germline. Inheritance: Autosomal dominant inheritance. Affected: yes.

PreventionGenetics, part of Exact Sciences
Classification: Benign for NSD2-related condition. Last evaluated: 2019-06-07. Review status: no assertion criteria provided. Collection method: clinical testing. Allele origin: germline. Not counted in ClinVar's aggregate classification.
Comment: This variant is classified as benign based on ACMG/AMP sequence variant interpretation guidelines (Richards et al. 2015 PMID: 25741868, with internal and published modifications).

NM_001042424.3(NSD2):c.381A>G (p.Lys127=)

Gene: NSD2 (nuclear receptor binding SET domain protein 2; plus strand). Cytogenetic location: 4p16.3.
Variant type: single nucleotide variant.
Coding change: c.381A>G on transcript NM_001042424.3 (MANE Select); coding-DNA position 381, A replaced by G.
Protein change: p.Lys127=; no amino-acid change (lysine 127 retained).
Molecular consequence: synonymous variant.
Genome position (GRCh38, 1-based): chr4:1,901,035, A>G. VCF-style: chr4-1901035-A-G. GRCh37 (hg19) VCF-style: chr4-1902762-A-G.
Other names: c.381A>G, p.Lys127= (NM_007331.2, NM_133330.3, NM_133331.3 and 2 more transcripts).
Identifiers: ClinVar variation 348423 (VCV000348423.47), dbSNP rs149396950, ClinGen allele CA2811868.